The following is an entry in ClinVar:

ClinVar aggregate classification (germline): Uncertain significance (1 of 4 stars; one submission).

Conditions:
RAI1-related disorder. Also called: RAI1-related condition.

Submission:

PreventionGenetics, part of Exact Sciences
Classification: Uncertain significance for RAI1-related condition. Last evaluated: 2024-12-16. Review status: criteria provided, single submitter. Criteria: ACMG Guidelines, 2015. Collection method: clinical testing. Allele origin: germline.
Comment: The RAI1 c.2494G>A variant is predicted to result in the amino acid substitution p.Ala832Thr. To our knowledge, this variant has not been reported in the literature or in a large population database (gnomAD), indicating this variant is rare. At this time, the clinical significance of this variant is uncertain due to the absence of conclusive functional and genetic evidence.

NM_030665.4(RAI1):c.2494G>A (p.Ala832Thr)

Gene: RAI1 (retinoic acid induced 1; plus strand). Cytogenetic location: 17p11.2.
Variant type: single nucleotide variant.
Coding change: c.2494G>A on transcript NM_030665.4 (MANE Select); coding-DNA position 2494, G replaced by A.
Protein change: p.Ala832Thr; replaces alanine 832 with threonine.
Molecular consequence: missense variant.
Genome position (GRCh38, 1-based): chr17:17,795,442, G>A. VCF-style: chr17-17795442-G-A. GRCh37 (hg19) VCF-style: chr17-17698756-G-A.
Other names: short protein forms A832T.
Identifiers: ClinVar variation 4983635 (VCV004983635.1).